The following is an entry in ClinVar:

NM_001170629.2(CHD8):c.4304A>T (p.His1435Leu)

Gene: CHD8 (chromodomain helicase DNA binding protein 8; minus strand). Cytogenetic location: 14q11.2.
Variant type: single nucleotide variant.
Coding change: c.4304A>T on transcript NM_001170629.2 (MANE Select); coding-DNA position 4304, A replaced by T.
Protein change: p.His1435Leu; replaces histidine 1435 with leucine.
Molecular consequence: missense variant.
Genome position (GRCh38, 1-based): chr14:21,400,941, T>A on the plus strand (A>T on the coding strand, the complement: CHD8 is on the minus strand). VCF-style: chr14-21400941-T-A. GRCh37 (hg19) VCF-style: chr14-21869100-T-A.
Other names: c.3467A>T, p.His1156Leu (NM_020920.4); short protein forms H1156L, H1435L.
Identifiers: ClinVar variation 593364 (VCV000593364.27), dbSNP rs199879706, ClinGen allele CA7091257.

ClinVar aggregate classification (germline): Conflicting classifications of pathogenicity. Review status: criteria provided, conflicting classifications (1 of 4 stars). 7 submissions from 7 submitters: Uncertain significance (1); Likely benign (5). 1 of the submissions does not count toward it. Last evaluated 2025-11-17.

Conditions:
CHD8-related disorder. Also called: CHD8-related disorders; CHD8-related condition.
Inborn genetic diseases. Identifiers: MedGen C0950123, MeSH D030342.

Allele frequency attached by ClinVar (database versions not stated): ExAC 0.00028; gnomAD exomes 0.00029 and 0.00049; TOPMed 0.00031; gnomAD 0.00035 and 0.00036; ESP Exome Variant Server 0.00040.
gnomAD v4.1: 762 of 1,613,848 alleles (0.047%); highest among the groups gnomAD compares: Non-Finnish European, 0.061%; no homozygotes.

Submissions (7):

Labcorp Genetics (formerly Invitae), Labcorp
Classification: Likely benign. Last evaluated: 2025-11-17. Review status: criteria provided, single submitter. Criteria: Invitae Variant Classification Sherloc (09022015). Collection method: clinical testing. Allele origin: germline.

CeGaT Center for Human Genetics Tuebingen
Classification: Likely benign. Last evaluated: 2025-06-01. Review status: criteria provided, single submitter. Criteria: CeGaT Center For Human Genetics Tuebingen Variant Classification Criteria Version 2. Collection method: clinical testing. Allele origin: germline. Affected: yes. Observed: 1 variant allele.
Comment: CHD8: BS1

Blueprint Genetics
Classification: Likely benign. Last evaluated: 2024-11-07. Review status: criteria provided, single submitter. Criteria: ACMG Guidelines, 2015. Collection method: clinical testing. Allele origin: germline.

Ambry Genetics
Classification: Likely benign for Inborn genetic diseases. Last evaluated: 2022-12-14. Review status: criteria provided, single submitter. Criteria: Ambry Variant Classification Scheme 2023. Collection method: clinical testing. Allele origin: germline.

GeneDx
Classification: Likely benign. Last evaluated: 2021-01-22. Review status: criteria provided, single submitter. Criteria: GeneDx Variant Classification Process June 2021. Collection method: clinical testing. Allele origin: germline. Affected: yes.
Comment: In silico analysis supports that this missense variant does not alter protein structure/function

Eurofins Ntd Llc (ga)
Classification: Uncertain significance. Last evaluated: 2017-08-08. Review status: criteria provided, single submitter. Criteria: EGL Classification Definitions 2015. Collection method: clinical testing. Allele origin: germline. Observed: 2 variant alleles, 2 heterozygotes.

PreventionGenetics, part of Exact Sciences
Classification: Likely benign for CHD8-related condition. Last evaluated: 2022-01-08. Review status: no assertion criteria provided. Collection method: clinical testing. Allele origin: germline. Not counted in ClinVar's aggregate classification.
Comment: This variant is classified as likely benign based on ACMG/AMP sequence variant interpretation guidelines (Richards et al. 2015 PMID: 25741868, with internal and published modifications).